The following is an entry in ClinVar:

NM_003700.1(OR2D2):c.451A>G (p.Ser151Gly)

Gene: OR2D2 (olfactory receptor family 2 subfamily D member 2; minus strand). Cytogenetic location: 11p15.4.
Variant type: single nucleotide variant.
Coding change: c.451A>G on transcript NM_003700.1 (MANE Select); coding-DNA position 451, A replaced by G.
Protein change: p.Ser151Gly; replaces serine 151 with glycine.
Molecular consequence: missense variant.
Genome position (GRCh38, 1-based): chr11:6,892,050, T>C on the plus strand (A>G on the coding strand, the complement: OR2D2 is on the minus strand). VCF-style: chr11-6892050-T-C. GRCh37 (hg19) VCF-style: chr11-6913281-T-C.
Other names: short protein forms S151G.
Identifiers: ClinVar variation 4083644 (VCV004083644.8).

ClinVar aggregate classification (germline): Likely benign (1 of 4 stars; one submission).

gnomAD v4.1: 7,461 of 1,613,844 alleles (0.46%); highest among the groups gnomAD compares: Middle Eastern, 1.3%; 38 homozygotes.

Submission:

CeGaT Center for Human Genetics Tuebingen
Classification: Likely benign. Last evaluated: 2025-08-01. Review status: criteria provided, single submitter. Criteria: CeGaT Center For Human Genetics Tuebingen Variant Classification Criteria Version 2. Collection method: clinical testing. Allele origin: germline. Affected: yes. Observed: 1 variant allele.
Comment: OR2D2: BP4, BS2